The following is an entry in ClinVar:

ClinVar aggregate classification (germline): Pathogenic (1 of 4 stars; one submission).

Submission:

Labcorp Genetics (formerly Invitae), Labcorp
Classification: Pathogenic. Last evaluated: 2025-11-06. Review status: criteria provided, single submitter. Criteria: Invitae Variant Classification Sherloc (09022015). Collection method: clinical testing. Allele origin: germline.
Comment: This sequence change creates a premature translational stop signal (p.Gln450Argfs*8) in the COL4A4 gene. It is expected to result in an absent or disrupted protein product. Loss-of-function variants in COL4A4 are known to be pathogenic (PMID: 21196518, 24854265, 25307543). This variant is not present in population databases (gnomAD no frequency). This variant has not been reported in the literature in individuals affected with COL4A4-related conditions. For these reasons, this variant has been classified as Pathogenic.

Literature cited by the submitters: PubMed 21196518; PubMed 24854265; PubMed 25307543.

NM_000092.5(COL4A4):c.1349del (p.Gln450fs)

Gene: COL4A4 (collagen type IV alpha 4 chain; minus strand). Cytogenetic location: 2q36.3.
Variant type: Deletion.
Coding change: c.1349del on transcript NM_000092.5 (MANE Select); coding-DNA position 1349, one base deleted (A; older notation c.1349delA).
Protein change: p.Gln450fs; shifts the reading frame from glutamine 450.
Molecular consequence: frameshift variant.
Genome position (GRCh38, 1-based): chr2:227,094,145, T deleted on the plus strand (A on the coding strand, the reverse complement: COL4A4 is on the minus strand). VCF-style (leftmost placement, unchanged base first): chr2-227094144-CT-C. GRCh37 (hg19) VCF-style: chr2-227958860-CT-C.
Other names: short protein forms Q450fs.
Identifiers: ClinVar variation 4728824 (VCV004728824.1).